The following is an entry in ClinVar:

NM_000038.6(APC):c.2819C>T (p.Ser940Leu)

Gene: APC (APC regulator of Wnt signaling pathway; plus strand). Cytogenetic location: 5q22.2.
Variant type: single nucleotide variant.
Coding change: c.2819C>T on transcript NM_000038.6 (MANE Select); coding-DNA position 2819, C replaced by T.
Protein change: p.Ser940Leu; replaces serine 940 with leucine.
Molecular consequence: missense variant.
Genome position (GRCh38, 1-based): chr5:112,838,413, C>T. VCF-style: chr5-112838413-C-T. GRCh37 (hg19) VCF-style: chr5-112174110-C-T.
Other names: c.2819C>T, p.Ser940Leu (NM_001127510.3, NM_001354895.2); c.2765C>T, p.Ser922Leu (NM_001127511.3); c.2873C>T, p.Ser958Leu (NM_001354896.2); c.2849C>T, p.Ser950Leu (NM_001354897.2); c.2744C>T, p.Ser915Leu (NM_001354898.2); c.2735C>T, p.Ser912Leu (NM_001354899.2); c.2696C>T, p.Ser899Leu (NM_001354900.2); c.2642C>T, p.Ser881Leu (NM_001354901.2); and 5 more; short protein forms S922L, S940L, S780L, S849L, S814L, S881L, S912L, S915L.
Identifiers: ClinVar variation 433634 (VCV000433634.69), dbSNP rs544709767, ClinGen allele CA16027480.

ClinVar aggregate classification (germline): Uncertain significance. Review status: criteria provided, multiple submitters, no conflicts (2 of 4 stars). 10 submissions from 10 submitters: Uncertain significance (9). 1 of the submissions does not count toward it. Last evaluated 2025-12-04.

Conditions:
Classic or attenuated familial adenomatous polyposis. Identifiers: MedGen CN372698, MONDO:0021057.
Carcinoma of colon (CRC). Also called: Colon carcinoma; Colonic carcinoma. Identifiers: MedGen C0699790, MONDO:0002032.
Hereditary cancer-predisposing syndrome. Also called: Hereditary neoplastic syndrome; Tumor predisposition; Hereditary Cancer Syndrome; Neoplastic Syndromes, Hereditary. Identifiers: Orphanet 140162, MedGen C0027672, MeSH D009386, MONDO:0015356.
Familial adenomatous polyposis 1 (FAP1). Also called: POLYPOSIS, ADENOMATOUS INTESTINAL; FAMILIAL ADENOMATOUS POLYPOSIS 1, ATTENUATED. Identifiers: MedGen C2713442, MONDO:0021056, OMIM 175100. Disease mechanism: loss of function.

gnomAD v4.1: 10 of 1,614,086 alleles (0.00062%); highest among the groups gnomAD compares: South Asian, 0.0011%; no homozygotes.

Submissions (10):

Labcorp Genetics (formerly Invitae), Labcorp
Classification: Uncertain significance for Familial adenomatous polyposis 1. Last evaluated: 2025-12-04. Review status: criteria provided, single submitter. Criteria: Invitae Variant Classification Sherloc (09022015). Collection method: clinical testing. Allele origin: germline.
Comment: This sequence change replaces serine, which is neutral and polar, with leucine, which is neutral and non-polar, at codon 940 of the APC protein (p.Ser940Leu). This variant is not present in population databases (gnomAD no frequency). This variant has not been reported in the literature in individuals affected with APC-related conditions. ClinVar contains an entry for this variant (Variation ID: 433634). Invitae Evidence Modeling of protein sequence and biophysical properties (such as structural, functional, and spatial information, amino acid conservation, physicochemical variation, residue mobility, and thermodynamic stability) indicates that this missense variant is not expected to disrupt APC protein function with a negative predictive value of 95%. In summary, the available evidence is currently insufficient to determine the role of this variant in disease. Therefore, it has been classified as a Variant of Uncertain Significance.

Center for Genomic Medicine, Rigshospitalet, Copenhagen University Hospital
Classification: Uncertain significance. Last evaluated: 2025-03-04. Review status: criteria provided, single submitter. Criteria: ACMG Guidelines, 2015. Collection method: clinical testing. Allele origin: germline.

Molecular Diagnostics Laboratory, Catalan Institute of Oncology
Classification: Uncertain significance for Hereditary cancer-predisposing syndrome. Last evaluated: 2024-12-03. Review status: criteria provided, single submitter. Criteria: ClinGen ACMG Specifications APC V1.0.0. Collection method: clinical testing. Allele origin: germline.
Comment: PM2_Supporting, BP1 c.2819C>T, located in exon 16 of the APC gene, is predicted to result in the substitution of Ser by Leu at codon 940, p.(Ser940Leu) (BP1).It is not present in the population database gnomAD v2.1.1, non cancer dataset (PM2_supporting). The SpliceAI algorithm predicts no significant impact on splicing. To our knowledge, functional studies have not been reported for this variant. At present ClinVar does not describe pathogenic or likely pathogenic missense variants in this codon. This variant has been reported in the ClinVar database (8x uncertain significance) but it has not been reported in LOVD database. Based on currently available information, the variant c.2819C>T should be considered an uncertain significance variant.

Baylor Genetics
Classification: Uncertain significance for Familial adenomatous polyposis 1. Last evaluated: 2024-03-22. Review status: criteria provided, single submitter. Criteria: ACMG Guidelines, 2015. Collection method: clinical testing. Allele origin: unknown.

Ambry Genetics
Classification: Uncertain significance for Hereditary cancer-predisposing syndrome. Last evaluated: 2024-03-21. Review status: criteria provided, single submitter. Criteria: Ambry Variant Classification Scheme 2023. Collection method: clinical testing. Allele origin: germline.
Comment: The p.S940L variant (also known as c.2819C>T), located in coding exon 15 of the APC gene, results from a C to T substitution at nucleotide position 2819. The serine at codon 940 is replaced by leucine, an amino acid with dissimilar properties. This amino acid position is not well conserved in available vertebrate species. In addition, in silico predictors for this gene do not accurately predict pathogenicity. Since supporting evidence is limited at this time, the clinical significance of this alteration remains unclear.

Color Diagnostics, LLC DBA Color Health
Classification: Uncertain significance for Hereditary cancer-predisposing syndrome. Last evaluated: 2024-02-12. Review status: criteria provided, single submitter. Criteria: ACMG Guidelines, 2015. Collection method: clinical testing. Allele origin: germline.
Comment: This missense variant replaces serine with leucine at codon 940 of the APC protein. Computational prediction suggests that this variant may not impact protein structure and function (internally defined REVEL score threshold <= 0.5, PMID: 27666373). To our knowledge, functional studies have not been reported for this variant. This variant has been identified in an individual affected with classical familial adenomatous polyposis , who also carried a pathogenic APC variant (ClinVar SCV000591121.2). This variant has not been identified in the general population by the Genome Aggregation Database (gnomAD). The available evidence is insufficient to determine the role of this variant in disease conclusively. Therefore, this variant is classified as a Variant of Uncertain Significance.

All of Us Research Program, National Institutes of Health
Classification: Uncertain significance for Classic or attenuated familial adenomatous polyposis. Last evaluated: 2024-01-11. Review status: criteria provided, single submitter. Criteria: ACMG Guidelines, 2015. Collection method: clinical testing. Allele origin: germline. Inheritance: Autosomal dominant inheritance. Observed: 2 variant alleles, 2 heterozygotes.
Comment: This missense variant replaces serine with leucine at codon 940 of the APC protein. Computational prediction suggests that this variant may not impact protein structure and function (internally defined REVEL score threshold <= 0.5, PMID: 27666373). Splice site prediction tools suggest that this variant may not impact RNA splicing. To our knowledge, functional studies have not been performed for this variant. This variant has not been reported in individuals affected with hereditary cancer in the literature. This variant has not been identified in the general population by the Genome Aggregation Database (gnomAD). The available evidence is insufficient to determine the role of this variant in disease conclusively. Therefore, this variant is classified as a Variant of Uncertain Significance.

This study involves interpretation of variants in research participants for the purpose of population health screening. Participant phenotype was not available at the time of variant classification. Additional details can be found in publication PMID: 35346344, PMCID: PMC8962531

Quest Diagnostics Nichols Institute San Juan Capistrano
Classification: Uncertain significance. Last evaluated: 2020-02-27. Review status: criteria provided, single submitter. Criteria: Quest Diagnostics criteria. Collection method: clinical testing. Allele origin: unknown.

CeGaT Center for Human Genetics Tuebingen
Classification: Uncertain significance. Last evaluated: 2017-06-01. Review status: criteria provided, single submitter. Criteria: CeGaT Center For Human Genetics Tuebingen Variant Classification Criteria Version 2. Collection method: clinical testing. Allele origin: germline. Affected: yes. Observed: 1 variant allele.

Department of Pathology and Laboratory Medicine, Sinai Health System
Classification: Uncertain significance for Carcinoma of colon. Review status: no assertion criteria provided. Collection method: clinical testing. Allele origin: unknown. Affected: yes. Observed: 1 variant allele. Study: The Canadian Open Genetics Repository (COGR). Not counted in ClinVar's aggregate classification.
Comment: The APC p.Ser940Leu variant was not identified in the literature nor was it identified in the 1000 Genomes Project, NHLBI GO Exome Sequencing Project, the Exome Aggregation Consortium (March 14, 2016), Clinvitae, COSMIC, InSiGHT Colon Cancer Gene Variant (LOVD), Zhejiang Colon Cancer (LOVD), ClinVar, GeneInsight â€šÃ„Ã¬ COGR and UMD databases. The variant was identified in dbSNP (ID: rs544709767) as â€šÃ„ÃºNAâ€šÃ„Ã¹, but no frequency information was provided; thus the prevalence of this variant in the general population could not be determined. The p.Ser940 residue is conserved in mammals and computational analyses (PolyPhen-2, SIFT, AlignGVGD, BLOSUM, MutationTaster) provide inconsistent predictions regarding the impact to the protein; this information is not very predictive of pathogenicity. The variant occurs outside of the splicing consensus sequence and 1 of 5 in silico or computational prediction software programs (SpliceSiteFinder, MaxEntScan, NNSPLICE, GeneSplicer, HumanSpliceFinder) predict a greater than 10% difference in splicing; this is not very predictive of pathogenicity. In summary, based on the above information, the clinical significance of this variant cannot be determined with certainty at this time. This variant is classified as a variant of uncertain significance.